The following is an entry in ClinVar:

NM_001367561.1(DOCK7):c.1036-328C>T

Gene: DOCK7 (dedicator of cytokinesis 7; minus strand). Cytogenetic location: 1p31.3.
Variant type: single nucleotide variant.
Coding change: c.1036-328C>T on transcript NM_001367561.1 (MANE Select); 328 bases into the intron before coding-DNA position 1036, C replaced by T.
Molecular consequence: intron variant.
Genome position (GRCh38, 1-based): chr1:62,633,906, G>A on the plus strand (C>T on the coding strand, the complement: DOCK7 is on the minus strand). VCF-style: chr1-62633906-G-A. GRCh37 (hg19) VCF-style: chr1-63099577-G-A.
Other names: c.1036-328C>T (NM_001272001.2, NM_001272000.2, NM_033407.4 and 3 more transcripts).
Identifiers: ClinVar variation 3255259 (VCV003255259.2), dbSNP rs2366638.
Genomic context (GRCh38, chr1:62,633,906, plus strand): 5'-AAAGCTTTTCCTCTAACATCATGAACAAGACAAGAATGCCCACATTAGCCTCACCTATTA[G>A]GCATAGTAATGGAAGCCCAAGCCTGAGAACTAAACAAGAAAAATACGTAAAGCATCTGAA-3'

ClinVar aggregate classification (germline): Benign (1 of 4 stars; one submission).

Allele frequency attached by ClinVar (database versions not stated): gnomAD exomes 0.34851; gnomAD 0.42183; 1000 Genomes Project 0.43610; TOPMed 0.43896; 1000 Genomes Project 30x 0.44332.
gnomAD v4.1: 76,191 of 186,852 alleles (41%); highest among the groups gnomAD compares: African/African-American, 66%; 17,491 homozygotes.

Submission:

Unidad de Genómica Garrahan, Hospital de Pediatría Garrahan
Classification: Benign. Last evaluated: 2024-07-15. Review status: criteria provided, single submitter. Criteria: ACMG Guidelines, 2015. Collection method: clinical testing. Allele origin: germline. Affected: no. Observed: 56 variant alleles.
Comment: This variant is classified as Benign based on local population frequency. This variant was detected in 60% of patients studied in a panel designed for Epileptic and Developmental Encephalopathy and Progressive Myoclonus Epilepsy. Number of patients: 56. Only high quality variants are reported.